The following is an entry in ClinVar:

NM_001042492.3(NF1):c.512A>T (p.Asn171Ile)

Gene: NF1 (neurofibromin 1; plus strand). Cytogenetic location: 17q11.2.
Variant type: single nucleotide variant.
Coding change: c.512A>T on transcript NM_001042492.3 (MANE Select); coding-DNA position 512, A replaced by T.
Protein change: p.Asn171Ile; replaces asparagine 171 with isoleucine.
Molecular consequence: missense variant.
Genome position (GRCh38, 1-based): chr17:31,169,923, A>T. VCF-style: chr17-31169923-A-T. GRCh37 (hg19) VCF-style: chr17-29496941-A-T.
Other names: c.512A>T, p.Asn171Ile (NM_000267.4, NM_001128147.3); short protein forms N171I.
Identifiers: ClinVar variation 1745528 (VCV001745528.3), dbSNP rs767500770, ClinGen allele CA398984969.
Genomic context (GRCh38, chr17:31,169,923, plus strand): 5'-TAAGTTAATTTTGGTTTTTACTTTTTAGGTTACAGGAATTAACTGTTTGTTCAGAAGACA[A>T]TGTTGATGTTCATGATATAGAATTGTTACAGTATATCAATGTGGATTGTGCAAAATTAAA-3'
Protein context (NP_001035957.1, residues 161-181): LQELTVCSED[Asn171Ile]VDVHDIELLQ

ClinVar aggregate classification (germline): Uncertain significance (1 of 4 stars; one submission).

Conditions:
Cardiovascular phenotype. Identifiers: MedGen CN230736.
Hereditary cancer-predisposing syndrome. Also called: Hereditary Cancer Syndrome; Neoplastic Syndromes, Hereditary; Tumor predisposition; Hereditary neoplastic syndrome. Identifiers: Orphanet 140162, MedGen C0027672, MeSH D009386, MONDO:0015356.

Submission:

Ambry Genetics
Classification: Uncertain significance for Cardiovascular phenotype; Hereditary cancer-predisposing syndrome. Last evaluated: 2024-09-23. Review status: criteria provided, single submitter. Criteria: Ambry Variant Classification Scheme 2023. Collection method: clinical testing. Allele origin: germline.
Comment: The p.N171I variant (also known as c.512A>T), located in coding exon 5 of the NF1 gene, results from an A to T substitution at nucleotide position 512. The asparagine at codon 171 is replaced by isoleucine, an amino acid with dissimilar properties. This amino acid position is conserved. In addition, the in silico prediction for this alteration is inconclusive. Since supporting evidence is limited at this time, the clinical significance of this alteration remains unclear.